The following is an entry in ClinVar:

NM_003442.6(ZNF143):c.148T>G (p.Leu50Val)

Gene: ZNF143 (zinc finger protein 143; plus strand). Cytogenetic location: 11p15.4.
Variant type: single nucleotide variant.
Coding change: c.148T>G on transcript NM_003442.6 (MANE Select); coding-DNA position 148, T replaced by G.
Protein change: p.Leu50Val; replaces leucine 50 with valine.
Molecular consequence: missense variant. On other transcripts: intron variant (1).
Genome position (GRCh38, 1-based): chr11:9,472,712, T>G. VCF-style: chr11-9472712-T-G. GRCh37 (hg19) VCF-style: chr11-9494259-T-G.
Other names: c.148T>G, p.Leu50Val (NM_001282656.2); c.113-1229T>G (NM_001282657.2); short protein forms L50V.
Identifiers: ClinVar variation 2826578 (VCV002826578.3), dbSNP rs2494485468, ClinGen allele CA379620503.
Genomic context (GRCh38, chr11:9,472,712, plus strand): 5'-GAAAATATTGATTTTTTTGTAATAGATGGTGACAACTTAGAAAATATGGAAGGCGTAAGC[T>G]TGCAAGCAGTAACACTTGCAGATGGTTCTACTGCTTACATACAACACAATTCTAAAGGTA-3'
Protein context (NP_003433.3, residues 40-60): DNLENMEGVS[Leu50Val]QAVTLADGST

ClinVar aggregate classification (germline): Uncertain significance (1 of 4 stars; one submission).

Submission:

Labcorp Genetics (formerly Invitae), Labcorp
Classification: Uncertain significance. Last evaluated: 2023-01-06. Review status: criteria provided, single submitter. Criteria: Invitae Variant Classification Sherloc (09022015). Collection method: clinical testing. Allele origin: germline.
Comment: This variant is not present in population databases (gnomAD no frequency). This variant has not been reported in the literature in individuals affected with ZNF143-related conditions. Algorithms developed to predict the effect of missense changes on protein structure and function are either unavailable or do not agree on the potential impact of this missense change (SIFT: "Deleterious"; PolyPhen-2: "Benign"; Align-GVGD: "Class C0"). In summary, the available evidence is currently insufficient to determine the role of this variant in disease. Therefore, it has been classified as a Variant of Uncertain Significance. This sequence change replaces leucine, which is neutral and non-polar, with valine, which is neutral and non-polar, at codon 50 of the ZNF143 protein (p.Leu50Val).